The following is an entry in ClinVar:

NM_004380.3(CREBBP):c.513_514del (p.Gly172fs)

Gene: CREBBP (CREB binding lysine acetyltransferase; minus strand). Cytogenetic location: 16p13.3.
Variant type: Deletion.
Coding change: c.513_514del on transcript NM_004380.3 (MANE Select); coding-DNA positions 513 to 514, 2 bases deleted (TG; older notation c.513_514delTG).
Protein change: p.Gly172fs; shifts the reading frame from glycine 172.
Molecular consequence: frameshift variant.
Genome position (GRCh38, 1-based): chr16:3,850,581-3,850,582, CA deleted on the plus strand (TG on the coding strand, the reverse complement: CREBBP is on the minus strand). VCF-style (leftmost placement, unchanged base first): chr16-3850580-CCA-C. GRCh37 (hg19) VCF-style: chr16-3900581-CCA-C.
Other names: c.513_514del, p.Gly172fs (NM_001079846.1); short protein forms G172fs.
Identifiers: ClinVar variation 4855254 (VCV004855254.1).

ClinVar aggregate classification (germline): Likely pathogenic (1 of 4 stars; one submission).

Conditions:
Rubinstein-Taybi syndrome due to CREBBP mutations (RSTS1). Also called: RUBINSTEIN-TAYBI SYNDROME 1, INCOMPLETE; RUBINSTEIN SYNDROME; Rubinstein-Taybi syndrome 1; CREBBP-Related Rubinstein-Taybi Syndrome; BROAD THUMB-HALLUX SYNDROME; BROAD THUMBS AND GREAT TOES, CHARACTERISTIC FACIES, AND IMPAIRED INTELLECTUAL DEVELOPMENT. Identifiers: Orphanet 353277, Orphanet 783, MedGen C4551859, MONDO:0008393, OMIM 180849.

Submission:

3billion
Classification: Likely pathogenic for Rubinstein-Taybi syndrome due to CREBBP mutations. Last evaluated: 2025-07-18. Review status: criteria provided, single submitter. Criteria: ACMG Guidelines, 2015. Collection method: clinical testing. Allele origin: germline. Affected: yes.
Comment: The variant is not observed in the gnomAD v4.1.0 dataset. Predicted Consequence/Location: Frameshift: predicted to result in a loss or disruption of normal protein function through nonsense-mediated decay (NMD) or protein truncation. Multiple pathogenic variants are reported downstream of the variant. Therefore, this variant is classified as Likely pathogenic according to the recommendation of ACMG/AMP guideline.